The following is an entry in ClinVar:

NM_001453.3(FOXC1):c.1137C>G (p.Gly379=)

Gene: FOXC1 (forkhead box C1; plus strand). Cytogenetic location: 6p25.3.
Variant type: single nucleotide variant.
Coding change: c.1137C>G on transcript NM_001453.3 (MANE Select); coding-DNA position 1137, C replaced by G.
Protein change: p.Gly379=; no amino-acid change (glycine 379 retained).
Molecular consequence: synonymous variant.
Genome position (GRCh38, 1-based): chr6:1,611,582, C>G. VCF-style: chr6-1611582-C-G. GRCh37 (hg19) VCF-style: chr6-1611817-C-G.
Identifiers: ClinVar variation 2705437 (VCV002705437.2), dbSNP rs1431021587, ClinGen allele CA448394051.
Genomic context (GRCh38, chr6:1,611,582, plus strand): 5'-CCTCTACAGCTCCCCCTGCAGCCAGACCTCCAGCGCGGGCAGCTCGGGCGGCGGCGGCGG[C>G]GGCGCGGGGGCCGCGGGGGGCGCGGGCGGCGCCGGGACCTACCACTGCAACCTGCAAGCC-3'
Protein context (NP_001444.2, residues 369-389): SSAGSSGGGG[Gly379=]GAGAAGGAGG

ClinVar aggregate classification (germline): Uncertain significance (1 of 4 stars; one submission).

Conditions:
Axenfeld-Rieger syndrome type 3 (RIEG3). Also called: AXENFELD-RIEGER ANOMALY WITH CARDIAC DEFECTS AND/OR SENSORINEURAL HEARING LOSS. Identifiers: Orphanet 782, MedGen C2678503, MONDO:0011233, OMIM 602482.

Submission:

Labcorp Genetics (formerly Invitae), Labcorp
Classification: Uncertain significance for Axenfeld-Rieger syndrome type 3. Last evaluated: 2025-02-27. Review status: criteria provided, single submitter. Criteria: Invitae Variant Classification Sherloc (09022015). Collection method: clinical testing. Allele origin: germline.
Comment: This sequence change affects codon 379 of the FOXC1 mRNA. It is a 'silent' change, meaning that it does not change the encoded amino acid sequence of the FOXC1 protein. This variant is not present in population databases (gnomAD no frequency). This variant has not been reported in the literature in individuals affected with FOXC1-related conditions. ClinVar contains an entry for this variant (Variation ID: 2705437). Experimental studies and prediction algorithms are not available or were not evaluated, and the effect of this variant on mRNA splicing is currently unknown. In summary, the available evidence is currently insufficient to determine the role of this variant in disease. Therefore, it has been classified as a Variant of Uncertain Significance.